The following is an entry in ClinVar:

NM_001330691.3(CEP78):c.604-1G>T

Gene: CEP78 (centrosomal protein 78; plus strand). Cytogenetic location: 9q21.2.
Variant type: single nucleotide variant.
Coding change: c.604-1G>T on transcript NM_001330691.3 (MANE Select); the canonical splice acceptor site of the intron before coding-DNA position 604, G replaced by T.
Molecular consequence: splice acceptor variant.
Genome position (GRCh38, 1-based): chr9:78,243,461, G>T. VCF-style: chr9-78243461-G-T. GRCh37 (hg19) VCF-style: chr9-80858377-G-T.
Other names: c.604-1G>T (NM_001349839.2, NM_001349840.2, NM_001330693.3 and 4 more transcripts).
Identifiers: ClinVar variation 4850407 (VCV004850407.1).

ClinVar aggregate classification (germline): Likely pathogenic (1 of 4 stars; one submission).

Conditions:
Congenital stationary night blindness 1C. Also called: Night blindness, congenital stationary (complete), 1C, autosomal recessive. Identifiers: Orphanet 215, MedGen C2750747, MONDO:0013183, OMIM 613216.

Submission:

First Genomix Gene Laboratory, Genetic Diagnostics Department
Classification: Likely pathogenic for Congenital stationary night blindness 1C. Last evaluated: 2025-09-19. Review status: criteria provided, single submitter. Criteria: ACMG Guidelines, 2015. Collection method: clinical testing. Allele origin: germline. Inheritance: Autosomal recessive inheritance. Affected: no. Observed: 1 variant allele.